The following is an entry in ClinVar:

ClinVar aggregate classification (germline): Uncertain significance. Review status: criteria provided, multiple submitters, no conflicts (2 of 4 stars). 2 submissions from 2 submitters: Uncertain significance (2). Last evaluated 2025-06-19.

Conditions:
Inborn genetic diseases. Identifiers: MedGen C0950123, MeSH D030342.

Allele frequency attached by ClinVar (database versions not stated): ExAC 0.00001; TOPMed 0.00004; gnomAD 0.00001; gnomAD exomes 0.00001.
gnomAD v4.1: 14 of 1,614,006 alleles (0.00087%); highest among the groups gnomAD compares: Middle Eastern, 0.016%; no homozygotes.

Submissions (2):

Labcorp Genetics (formerly Invitae), Labcorp
Classification: Uncertain significance. Last evaluated: 2025-06-19. Review status: criteria provided, single submitter. Criteria: Invitae Variant Classification Sherloc (09022015). Collection method: clinical testing. Allele origin: germline.
Comment: This sequence change replaces arginine, which is basic and polar, with glutamine, which is neutral and polar, at codon 940 of the NLRP1 protein (p.Arg940Gln). This variant is present in population databases (rs769764122, gnomAD 0.01%). This variant has not been reported in the literature in individuals affected with NLRP1-related conditions. ClinVar contains an entry for this variant (Variation ID: 2256167). An algorithm developed to predict the effect of missense changes on protein structure and function outputs the following: PolyPhen-2: "Benign". The glutamine amino acid residue is found in multiple mammalian species, which suggests that this missense change does not adversely affect protein function. In summary, the available evidence is currently insufficient to determine the role of this variant in disease. Therefore, it has been classified as a Variant of Uncertain Significance.

Ambry Genetics
Classification: Uncertain significance for Inborn genetic diseases. Last evaluated: 2021-10-20. Review status: criteria provided, single submitter. Criteria: Ambry Variant Classification Scheme 2023. Collection method: clinical testing. Allele origin: germline.

NM_033004.4(NLRP1):c.2819G>A (p.Arg940Gln)

Gene: NLRP1 (NLR family pyrin domain containing 1; minus strand). Cytogenetic location: 17p13.2.
Variant type: single nucleotide variant.
Coding change: c.2819G>A on transcript NM_033004.4 (MANE Select); coding-DNA position 2819, G replaced by A.
Protein change: p.Arg940Gln; replaces arginine 940 with glutamine.
Molecular consequence: missense variant.
Genome position (GRCh38, 1-based): chr17:5,539,466, C>T on the plus strand (G>A on the coding strand, the complement: NLRP1 is on the minus strand). VCF-style: chr17-5539466-C-T. GRCh37 (hg19) VCF-style: chr17-5442786-C-T.
Other names: c.2819G>A, p.Arg940Gln (NM_001033053.3, NM_014922.5, NM_033006.4 and 1 more transcripts); short protein forms R940Q.
Identifiers: ClinVar variation 2256167 (VCV002256167.4), dbSNP rs769764122, ClinGen allele CA8327050.